The following is an entry in ClinVar:

ClinVar aggregate classification (germline): Benign/Likely benign. Review status: criteria provided, multiple submitters, no conflicts (2 of 4 stars). 4 submissions from 4 submitters: Benign (1); Likely benign (3). Last evaluated 2025-11-19.

Conditions:
BAP1-related tumor predisposition syndrome (TPDS1). Also called: Tumor susceptibility linked to germline BAP1 mutations; COMMON Syndrome; TUMOR PREDISPOSITION SYNDROME 1; BAP1 tumor predisposition syndrome. Identifiers: Orphanet 289539, MedGen C3280492, MONDO:0013692, OMIM 614327.
Hereditary cancer-predisposing syndrome. Also called: Neoplastic Syndromes, Hereditary; Tumor predisposition; Hereditary Cancer Syndrome; Hereditary neoplastic syndrome. Identifiers: Orphanet 140162, MedGen C0027672, MeSH D009386, MONDO:0015356.

Allele frequency attached by ClinVar (database versions not stated): gnomAD exomes below 0.00001; TOPMed 0.00002; gnomAD 0.00003.
gnomAD v4.1: 6 of 1,614,084 alleles (0.00037%); highest among the groups gnomAD compares: African/African-American, 0.0067%; no homozygotes.

Submissions (4):

Labcorp Genetics (formerly Invitae), Labcorp
Classification: Likely benign for BAP1-related tumor predisposition syndrome. Last evaluated: 2025-11-19. Review status: criteria provided, single submitter. Criteria: Invitae Variant Classification Sherloc (09022015). Collection method: clinical testing. Allele origin: germline.

Myriad Genetics, Inc.
Classification: Benign for BAP1-related tumor predisposition syndrome. Last evaluated: 2024-07-12. Review status: criteria provided, single submitter. Criteria: Myriad Autosomal Dominant, Autosomal Recessive and X-Linked Classification Criteria (2023). Collection method: clinical testing. Allele origin: unknown.
Comment: This variant is considered benign. This variant is a silent/synonymous amino acid change and it is not expected to impact splicing.

Ambry Genetics
Classification: Likely benign for Hereditary cancer-predisposing syndrome. Last evaluated: 2021-05-11. Review status: criteria provided, single submitter. Criteria: Ambry Variant Classification Scheme 2023. Collection method: clinical testing. Allele origin: germline.

Color Diagnostics, LLC DBA Color Health
Classification: Likely benign for Hereditary cancer-predisposing syndrome. Last evaluated: 2016-03-18. Review status: criteria provided, single submitter. Criteria: ACMG Guidelines, 2015. Collection method: clinical testing. Allele origin: germline.

NM_004656.4(BAP1):c.426T>C (p.Asn142=)

Gene: BAP1 (BRCA1 associated deubiquitinase 1; minus strand). Cytogenetic location: 3p21.1.
Variant type: single nucleotide variant.
Coding change: c.426T>C on transcript NM_004656.4 (MANE Select); coding-DNA position 426, T replaced by C.
Protein change: p.Asn142=; no amino-acid change (asparagine 142 retained).
Molecular consequence: synonymous variant.
Genome position (GRCh38, 1-based): chr3:52,407,410, A>G on the plus strand (T>C on the coding strand, the complement: BAP1 is on the minus strand). VCF-style: chr3-52407410-A-G. GRCh37 (hg19) VCF-style: chr3-52441426-A-G.
Identifiers: ClinVar variation 918987 (VCV000918987.12), dbSNP rs949334747, ClinGen allele CA74743805.